The following is an entry in ClinVar:

NM_001166108.2(PALLD):c.2042T>C (p.Ile681Thr)

Gene: PALLD (palladin, cytoskeletal associated protein; plus strand). Cytogenetic location: 4q32.3.
Variant type: single nucleotide variant.
Coding change: c.2042T>C on transcript NM_001166108.2 (MANE Select); coding-DNA position 2042, T replaced by C.
Protein change: p.Ile681Thr; replaces isoleucine 681 with threonine.
Molecular consequence: missense variant. On other transcripts: 5 prime UTR variant (4).
Genome position (GRCh38, 1-based): chr4:168,890,999, T>C. VCF-style: chr4-168890999-T-C. GRCh37 (hg19) VCF-style: chr4-169812150-T-C.
Other names: c.896T>C, p.Ile299Thr (NM_001166109.2); c.581T>C, p.Ile194Thr (NM_001166110.2); c.-80T>C (NM_001367567.1, NM_001367568.1, NM_001367569.1 and 1 more transcripts); c.2042T>C, p.Ile681Thr (NM_016081.4); short protein forms I299T, I681T, I194T.
Identifiers: ClinVar variation 2448481 (VCV002448481.2), dbSNP rs2533587540, ClinGen allele CA358797219.

ClinVar aggregate classification (germline): Uncertain significance (1 of 4 stars; one submission).

Submission:

Ambry Genetics
Classification: Uncertain significance. Last evaluated: 2023-01-19. Review status: criteria provided, single submitter. Criteria: Ambry Variant Classification Scheme 2023. Collection method: clinical testing. Allele origin: germline.
Comment: The p.I681T variant (also known as c.2042T>C), located in coding exon 10 of the PALLD gene, results from a T to C substitution at nucleotide position 2042. The isoleucine at codon 681 is replaced by threonine, an amino acid with similar properties. This amino acid position is conserved. In addition, this alteration is predicted to be deleterious by in silico analysis. Since supporting evidence is limited at this time, the clinical significance of this alteration remains unclear.